The following is an entry in ClinVar:

ClinVar aggregate classification (germline): Uncertain significance (1 of 4 stars; one submission).

gnomAD v4.1: 5 of 1,613,440 alleles (0.00031%); highest among the groups gnomAD compares: Non-Finnish European, 0.00042%; no homozygotes.

Submission:

GeneDx
Classification: Uncertain significance. Last evaluated: 2023-05-11. Review status: criteria provided, single submitter. Criteria: GeneDx Variant Classification Process June 2021. Collection method: clinical testing. Allele origin: germline. Affected: yes.
Comment: Not observed at significant frequency in large population cohorts (gnomAD); In silico analysis supports that this missense variant does not alter protein structure/function; Has not been previously published as pathogenic or benign to our knowledge

NM_006035.4(CDC42BPB):c.4268C>G (p.Ser1423Cys)

Gene: CDC42BPB (CDC42 binding protein kinase beta; minus strand). Cytogenetic location: 14q32.32.
Variant type: single nucleotide variant.
Coding change: c.4268C>G on transcript NM_006035.4 (MANE Select); coding-DNA position 4268, C replaced by G.
Protein change: p.Ser1423Cys; replaces serine 1423 with cysteine.
Molecular consequence: missense variant.
Genome position (GRCh38, 1-based): chr14:102,944,031, G>C on the plus strand (C>G on the coding strand, the complement: CDC42BPB is on the minus strand). VCF-style: chr14-102944031-G-C. GRCh37 (hg19) VCF-style: chr14-103410368-G-C.
Other names: c.4190C>G, p.Ser1397Cys (NM_001411054.1); short protein forms S1397C, S1423C.
Identifiers: ClinVar variation 3343463 (VCV003343463.1).
Genomic context (GRCh38, chr14:102,944,031, plus strand): 5'-TGGCTGAAGCAAAGCAGGTACTCCTCGCTTTCGAGCTCCACAGCACAAAGGGCATCAAAA[G>C]ACTGTTGTGAGAGGAACGCAAGCGAGGGGTCATTGGGATTTACCAGGTTTAGAGGCTGCC-3'
Protein context (NP_006026.3, residues 1413-1433): DPSLAFLSQQ[Ser1423Cys]FDALCAVELE